The following is an entry in ClinVar:

NM_006206.6(PDGFRA):c.931+5A>G

Gene: PDGFRA (platelet derived growth factor receptor alpha; plus strand). Cytogenetic location: 4q12.
Variant type: single nucleotide variant.
Coding change: c.931+5A>G on transcript NM_006206.6 (MANE Select); 5 bases into the intron after coding-DNA position 931, A replaced by G.
Molecular consequence: intron variant.
Genome position (GRCh38, 1-based): chr4:54,267,465, A>G. VCF-style: chr4-54267465-A-G. GRCh37 (hg19) VCF-style: chr4-55133632-A-G.
Other names: c.1006+5A>G (NM_001347828.2); c.931+5A>G (NM_001347827.2, NM_001347829.2); c.970+5A>G (NM_001347830.2).
Identifiers: ClinVar variation 577960 (VCV000577960.12), dbSNP rs745430555, ClinGen allele CA2922419.

ClinVar aggregate classification (germline): Uncertain significance. Review status: criteria provided, multiple submitters, no conflicts (2 of 4 stars). 2 submissions from 2 submitters: Uncertain significance (2). Last evaluated 2026-06-24.

Conditions:
Hereditary cancer-predisposing syndrome. Also called: Neoplastic Syndromes, Hereditary; Hereditary Cancer Syndrome; Hereditary neoplastic syndrome; Tumor predisposition. Identifiers: Orphanet 140162, MedGen C0027672, MeSH D009386, MONDO:0015356.
Gastrointestinal stromal tumor. Also called: Gastrointestinal stromal tumor, somatic; Gastrointestinal stroma tumor. Identifiers: Orphanet 44890, MedGen C0238198, MeSH D046152, MONDO:0011719, OMIM 606764, HP:0100723.

Allele frequency attached by ClinVar (database versions not stated): gnomAD exomes below 0.00001; ExAC 0.00001.
gnomAD v4.1: 1 of 1,614,042 alleles (0.000062%); highest among the groups gnomAD compares: Non-Finnish European, 0.000085%; no homozygotes.

Submissions (2):

Ambry Genetics
Classification: Uncertain significance for Hereditary cancer-predisposing syndrome. Last evaluated: 2026-06-24. Review status: criteria provided, single submitter. Criteria: Ambry Variant Classification Scheme 2023. Collection method: clinical testing. Allele origin: germline.
Comment: The c.931+5A>G intronic variant results from an A to G substitution 5 nucleotides after coding exon 5 in the PDGFRA gene. This nucleotide position is not well conserved in available vertebrate species. In silico splice site analysis predicts that this alteration will not have any significant effect on splicing. Based on the available evidence, the clinical significance of this variant remains unclear.

Labcorp Genetics (formerly Invitae), Labcorp
Classification: Uncertain significance for Gastrointestinal stromal tumor. Last evaluated: 2022-09-01. Review status: criteria provided, single submitter. Criteria: Invitae Variant Classification Sherloc (09022015). Collection method: clinical testing. Allele origin: germline.
Comment: In summary, the available evidence is currently insufficient to determine the role of this variant in disease. Therefore, it has been classified as a Variant of Uncertain Significance. Variants that disrupt the consensus splice site are a relatively common cause of aberrant splicing (PMID: 17576681, 9536098). Algorithms developed to predict the effect of sequence changes on RNA splicing suggest that this variant may create or strengthen a splice site. ClinVar contains an entry for this variant (Variation ID: 577960). This variant has not been reported in the literature in individuals affected with PDGFRA-related conditions. This variant is present in population databases (rs745430555, gnomAD 0.0009%). This sequence change falls in intron 6 of the PDGFRA gene. It does not directly change the encoded amino acid sequence of the PDGFRA protein. It affects a nucleotide within the consensus splice site.

Literature cited by the submitters: PubMed 17576681 (cited by Labcorp Genetics (formerly Invitae), Labcorp); PubMed 9536098 (cited by Labcorp Genetics (formerly Invitae), Labcorp).